The following is an entry in ClinVar:

ClinVar aggregate classification (germline): Pathogenic (1 of 4 stars; one submission).

Conditions:
Arrhythmogenic right ventricular dysplasia 8 (ARVD8). Also called: ARRHYTHMOGENIC RIGHT VENTRICULAR DYSPLASIA, FAMILIAL, 8; ARRHYTHMOGENIC RIGHT VENTRICULAR CARDIOMYOPATHY 8; Arrhythmogenic Right Ventricular Dysplasia/Cardiomyopathy 8. Identifiers: MedGen C1843896, MONDO:0011831, OMIM 607450.
Arrhythmogenic cardiomyopathy with wooly hair and keratoderma. Also called: PALMOPLANTAR KERATODERMA WITH LEFT VENTRICULAR CARDIOMYOPATHY AND WOOLLY HAIR; Carvajal syndrome; Dilated cardiomyopathy with woolly hair and keratoderma; Arrhythmogenic cardiomyopathy with woolly hair and keratoderma. Identifiers: Orphanet 65282, MedGen C1854063, MONDO:0011581, OMIM 605676.

Submission:

Labcorp Genetics (formerly Invitae), Labcorp
Classification: Pathogenic for Arrhythmogenic cardiomyopathy with wooly hair and keratoderma; Arrhythmogenic right ventricular dysplasia 8. Last evaluated: 2025-12-23. Review status: criteria provided, single submitter. Criteria: Invitae Variant Classification Sherloc (09022015). Collection method: clinical testing. Allele origin: germline.
Comment: This sequence change creates a premature translational stop signal (p.Gln845*) in the DSP gene. It is expected to result in an absent or disrupted protein product. Loss-of-function variants in DSP are known to be pathogenic (PMID: 20716751, 24503780, 25227139, 30398466). This variant is not present in population databases (gnomAD no frequency). This premature translational stop signal has been observed in individual(s) with clinical features of DSP-related disease (PMID: 31983221). ClinVar contains an entry for this variant (Variation ID: 1424500). For these reasons, this variant has been classified as Pathogenic.

Literature cited by the submitters: PubMed 20716751; PubMed 24503780; PubMed 25227139; PubMed 30398466; PubMed 31983221.

NM_004415.4(DSP):c.2533C>T (p.Gln845Ter)

Gene: DSP (desmoplakin; plus strand). Cytogenetic location: 6p24.3.
Variant type: single nucleotide variant.
Coding change: c.2533C>T on transcript NM_004415.4 (MANE Select); coding-DNA position 2533, C replaced by T.
Protein change: p.Gln845Ter; replaces glutamine 845 with a stop codon.
Molecular consequence: nonsense.
Genome position (GRCh38, 1-based): chr6:7,575,391, C>T. VCF-style: chr6-7575391-C-T. GRCh37 (hg19) VCF-style: chr6-7575624-C-T.
Other names: c.2533C>T, p.Gln845Ter (NM_001008844.3, NM_001319034.2); short protein forms Q845*.
Identifiers: ClinVar variation 1424500 (VCV001424500.6), dbSNP rs2113685159, ClinGen allele CA362681553.